The following is an entry in ClinVar:

ClinVar aggregate classification (germline): Uncertain significance. Review status: criteria provided, multiple submitters, no conflicts (2 of 4 stars). 3 submissions from 3 submitters: Uncertain significance (3). Last evaluated 2026-06-12.

Conditions:
Developmental and epileptic encephalopathy, 54. Also called: HNRNPU-Related Neurodevelopmental Disorder; Epileptic encephalopathy, early infantile, 54. Identifiers: MedGen C4479319, MONDO:0033363, OMIM 617391.
Inborn genetic diseases. Identifiers: MedGen C0950123, MeSH D030342.

Allele frequency attached by ClinVar (database versions not stated): gnomAD 0.00001.

Submissions (3):

Women's Health and Genetics/Laboratory Corporation of America, LabCorp
Classification: Uncertain significance. Last evaluated: 2026-06-12. Review status: criteria provided, single submitter. Criteria: LabCorp Variant Classification Summary - May 2015. Collection method: clinical testing. Allele origin: germline.
Comment: Variant summary: HNRNPU c.1189G>A (p.Gly397Arg) results in a non-conservative amino acid change in the encoded protein sequence. Algorithms developed to predict the effect of missense changes on protein structure and function all suggest that this variant is likely to be disruptive. The variant was absent in 249974 control chromosomes. The available data on variant occurrences in the general population are insufficient to allow any conclusion about variant significance. To our knowledge, no occurrence of c.1189G>A in individuals affected with HNRNPU-related conditions and no experimental evidence demonstrating its impact on protein function have been reported. ClinVar contains an entry for this variant (Variation ID: 977356). Based on the evidence outlined above, the variant was classified as uncertain significance.

New York Genome Center
Classification: Uncertain significance for Developmental and epileptic encephalopathy, 54. Last evaluated: 2020-02-25. Review status: criteria provided, single submitter. Criteria: NYGC Assertion Criteria 2020. Collection method: clinical testing. Allele origin: inherited. Observed: 1 heterozygote. Study: CSER-NYCKidSeq.

Ambry Genetics
Classification: Uncertain significance for Inborn genetic diseases. Last evaluated: 2017-12-17. Review status: criteria provided, single submitter. Criteria: Ambry Variant Classification Scheme 2023. Collection method: clinical testing. Allele origin: germline.
Comment: The p.G397R variant (also known as c.1189G>A), located in coding exon 6 of the HNRNPU gene, results from a G to A substitution at nucleotide position 1189. The glycine at codon 397 is replaced by arginine, an amino acid with dissimilar properties. This amino acid position is highly conserved in available vertebrate species. In addition, this alteration is predicted to be deleterious by in silico analysis. Since supporting evidence is limited at this time, the clinical significance of this alteration remains unclear.

NM_031844.3(HNRNPU):c.1189G>A (p.Gly397Arg)

Gene: HNRNPU (heterogeneous nuclear ribonucleoprotein U; minus strand). Cytogenetic location: 1q44.
Variant type: single nucleotide variant.
Coding change: c.1189G>A on transcript NM_031844.3 (MANE Select); coding-DNA position 1189, G replaced by A.
Protein change: p.Gly397Arg; replaces glycine 397 with arginine.
Molecular consequence: missense variant.
Genome position (GRCh38, 1-based): chr1:244,858,770, C>T on the plus strand (G>A on the coding strand, the complement: HNRNPU is on the minus strand). VCF-style: chr1-244858770-C-T. GRCh37 (hg19) VCF-style: chr1-245022072-C-T.
Other names: c.1132G>A, p.Gly378Arg (NM_004501.3); short protein forms G378R, G397R.
Identifiers: ClinVar variation 977356 (VCV000977356.6), dbSNP rs1680748404, ClinGen allele CA345492199.